The following is an entry in ClinVar:

NM_001367916.1(MAGT1):c.511G>A (p.Ala171Thr)

Gene: MAGT1 (magnesium transporter 1; minus strand). Cytogenetic location: Xq21.1.
Variant type: single nucleotide variant.
Coding change: c.511G>A on transcript NM_001367916.1 (MANE Select); coding-DNA position 511, G replaced by A.
Protein change: p.Ala171Thr; replaces alanine 171 with threonine.
Molecular consequence: missense variant.
Genome position (GRCh38, 1-based): chrX:77,857,377, C>T on the plus strand (G>A on the coding strand, the complement: MAGT1 is on the minus strand). VCF-style: chrX-77857377-C-T. GRCh37 (hg19) VCF-style: chrX-77112874-C-T.
Other names: c.607G>A, p.Ala203Thr (NM_032121.5); short protein forms A171T, A203T.
Identifiers: ClinVar variation 743981 (VCV000743981.14), dbSNP rs141774769, ClinGen allele CA10458522.
Genomic context (GRCh38, chrX:77,857,377, plus strand): 5'-ATAATGGCCAAGAAACAGTCTACATAGTTGGGAAACTTACATTGACATCAGTTCTGTCGG[C>T]GATCCACCGGGCAATCTGCTCAGCTGAAAAACCCCGCACCTGTAACTCATATGTATCACC-3'
Protein context (NP_001354845.1, residues 161-181): FSAEQIARWI[Ala171Thr]DRTDVNIRVI

ClinVar aggregate classification (germline): Conflicting classifications of pathogenicity. Review status: criteria provided, conflicting classifications (1 of 4 stars). 3 submissions from 3 submitters: Uncertain significance (1); Benign (1); Likely benign (1). Last evaluated 2026-05-26.

Conditions:
MAGT1-related disorder. Also called: MAGT1-related condition.
Inborn genetic diseases. Identifiers: MedGen C0950123, MeSH D030342.
X-linked immunodeficiency with magnesium defect, Epstein-Barr virus infection and neoplasia. Identifiers: Orphanet 317476, MedGen C3275445, MONDO:0010455, OMIM 300853.

Allele frequency attached by ClinVar (database versions not stated): gnomAD exomes 0.00013 and 0.00015; gnomAD 0.00014; TOPMed 0.00014; 1000 Genomes Project 0.00026; 1000 Genomes Project 30x 0.00042; ESP Exome Variant Server 0.00009; ExAC 0.00010.

Submissions (3):

PreventionGenetics, part of Exact Sciences
Classification: Likely benign for MAGT1-related condition. Last evaluated: 2026-05-26. Review status: criteria provided, single submitter. Criteria: ACMG Guidelines, 2015. Collection method: clinical testing. Allele origin: germline.
Comment: This variant is classified as likely benign based on ACMG/AMP sequence variant interpretation guidelines (Richards et al. 2015 PMID: 25741868, with internal and published modifications).

Labcorp Genetics (formerly Invitae), Labcorp
Classification: Benign for X-linked immunodeficiency with magnesium defect, Epstein-Barr virus infection and neoplasia. Last evaluated: 2026-01-17. Review status: criteria provided, single submitter. Criteria: Invitae Variant Classification Sherloc (09022015). Collection method: clinical testing. Allele origin: germline.

Ambry Genetics
Classification: Uncertain significance for Inborn genetic diseases. Last evaluated: 2025-02-27. Review status: criteria provided, single submitter. Criteria: Ambry Variant Classification Scheme 2023. Collection method: clinical testing. Allele origin: germline.